The following is an entry in ClinVar:

NM_015465.5(GEMIN5):c.1811C>T (p.Ser604Phe)

Gene: GEMIN5 (gem nuclear organelle associated protein 5; minus strand). Cytogenetic location: 5q33.2.
Variant type: single nucleotide variant.
Coding change: c.1811C>T on transcript NM_015465.5 (MANE Select); coding-DNA position 1811, C replaced by T.
Protein change: p.Ser604Phe; replaces serine 604 with phenylalanine.
Molecular consequence: missense variant.
Genome position (GRCh38, 1-based): chr5:154,917,042, G>A on the plus strand (C>T on the coding strand, the complement: GEMIN5 is on the minus strand). VCF-style: chr5-154917042-G-A. GRCh37 (hg19) VCF-style: chr5-154296602-G-A.
Other names: c.1808C>T, p.Ser603Phe (NM_001252156.2); c.1811C>T (NM_015465.3); short protein forms S603F, S604F.
Identifiers: ClinVar variation 1700925 (VCV001700925.10), dbSNP rs142769106, ClinGen allele CA3528879.

ClinVar aggregate classification (germline): Uncertain significance. Review status: criteria provided, multiple submitters, no conflicts (2 of 4 stars). 4 submissions from 4 submitters: Uncertain significance (4). Last evaluated 2025-12-30.

Conditions:
Inborn genetic diseases. Identifiers: MedGen C0950123, MeSH D030342.

Allele frequency attached by ClinVar (database versions not stated): ESP Exome Variant Server 0.00015; 1000 Genomes Project 30x 0.00016; gnomAD 0.00017 and 0.00019; 1000 Genomes Project 0.00020; TOPMed 0.00023.
gnomAD v4.1: 505 of 1,605,026 alleles (0.031%); highest among the groups gnomAD compares: Non-Finnish European, 0.041%; no homozygotes.

Submissions (4):

GeneDx
Classification: Uncertain significance. Last evaluated: 2025-12-30. Review status: criteria provided, single submitter. Criteria: GeneDx Variant Classification Process June 2021. Collection method: clinical testing. Allele origin: germline. Affected: yes.
Comment: In silico analysis supports that this missense variant has a deleterious effect on protein structure/function; Has not been previously published as pathogenic or benign to our knowledge

Blueprint Genetics
Classification: Uncertain significance. Last evaluated: 2024-10-02. Review status: criteria provided, single submitter. Criteria: ACMG Guidelines, 2015. Collection method: clinical testing. Allele origin: germline.

Women's Health and Genetics/Laboratory Corporation of America, LabCorp
Classification: Uncertain significance. Last evaluated: 2024-03-13. Review status: criteria provided, single submitter. Criteria: LabCorp Variant Classification Summary - May 2015. Collection method: clinical testing. Allele origin: germline.
Comment: Variant summary: GEMIN5 c.1811C>T (p.Ser604Phe) results in a non-conservative amino acid change in the encoded protein sequence. Four of five in-silico tools predict a damaging effect of the variant on protein function. The variant allele was found at a frequency of 0.00026 in 249520 control chromosomes. This frequency does not allow conclusion about variant significance. To our knowledge, no occurrence of c.1811C>T in individuals affected with GEMIN5-Related Disorder and no experimental evidence demonstrating its impact on protein function have been reported. ClinVar contains an entry for this variant (Variation ID: 1700925). Based on the evidence outlined above, the variant was classified as uncertain significance.

Ambry Genetics
Classification: Uncertain significance for Inborn genetic diseases. Last evaluated: 2021-09-27. Review status: criteria provided, single submitter. Criteria: Ambry Variant Classification Scheme 2023. Collection method: clinical testing. Allele origin: germline.